The following is an entry in ClinVar:

ClinVar aggregate classification (germline): Pathogenic (1 of 4 stars; one submission).

Conditions:
LAMA2-related muscular dystrophy (LAMA2-RD). Also called: Laminin alpha 2-related dystrophy. Identifiers: MedGen C5679788, MONDO:0100228.

Submission:

Labcorp Genetics (formerly Invitae), Labcorp
Classification: Pathogenic for LAMA2-related muscular dystrophy. Last evaluated: 2020-02-27. Review status: criteria provided, single submitter. Criteria: Invitae Variant Classification Sherloc (09022015). Collection method: clinical testing. Allele origin: germline.
Comment: For these reasons, this variant has been classified as Pathogenic. This variant disrupts the C-terminus of the LAMA2 protein. Other variant(s) that disrupt this region (p.Thr3080Asnfs*2) have been determined to be pathogenic (PMID: 20207543). This suggests that variants that disrupt this region of the protein are likely to be causative of disease. This variant has not been reported in the literature in individuals with LAMA2-related conditions. This variant is not present in population databases (ExAC no frequency). This sequence change results in a premature translational stop signal in the LAMA2 gene (p.Phe3065Valfs*8). While this is not anticipated to result in nonsense mediated decay, it is expected to disrupt the last 58 amino acids of the LAMA2 protein.

Literature cited by the submitters: PubMed 20207543.

NM_000426.4(LAMA2):c.9191dup (p.Phe3065fs)

Gene: LAMA2 (laminin subunit alpha 2; plus strand). Cytogenetic location: 6q22.33.
Variant type: Duplication.
Coding change: c.9191dup on transcript NM_000426.4 (MANE Select); coding-DNA position 9191, one base duplicated (T; older notation c.9191dupT).
Protein change: p.Phe3065fs; shifts the reading frame from phenylalanine 3065.
Molecular consequence: frameshift variant.
Genome position (GRCh38, 1-based): chr6:129,514,575, T duplicated. VCF-style (leftmost placement, unchanged base first): chr6-129514574-G-GT. GRCh37 (hg19) VCF-style: chr6-129835719-G-GT.
Other names: c.9179dup, p.Phe3061fs (NM_001079823.2); short protein forms F3061fs, F3065fs.
Identifiers: ClinVar variation 1069372 (VCV001069372.9), dbSNP rs2114939909, ClinGen allele CA2499218103.
Genomic context (GRCh38, chr6:129,514,574, plus strand): 5'-AACCAGGTGGAAGCCCAAAGCCCAAACCCAGCATCTACATCAGCTGACACAAATGACCCT[G>GT]TGTTTGTTGGAGGCTTCCCAGGTGAGTGTTGGCTACCCCAGCAACAATTTCTTTGCTCTC-3'